The following is an entry in ClinVar:

NM_001385641.1(SAMD11):c.811G>A (p.Val271Met)

Gene: SAMD11 (sterile alpha motif domain containing 11; plus strand). Cytogenetic location: 1p36.33.
Variant type: single nucleotide variant.
Coding change: c.811G>A on transcript NM_001385641.1 (MANE Select); coding-DNA position 811, G replaced by A.
Protein change: p.Val271Met; replaces valine 271 with methionine.
Molecular consequence: missense variant.
Genome position (GRCh38, 1-based): chr1:931,058, G>A. VCF-style: chr1-931058-G-A. GRCh37 (hg19) VCF-style: chr1-866438-G-A.
Other names: c.274G>A (NM_152486.2); c.811G>A, p.Val271Met (NM_001385640.1); c.274G>A, p.Val92Met (NM_152486.4); short protein forms V271M, V92M.
Identifiers: ClinVar variation 1080861 (VCV001080861.10), dbSNP rs144010167, ClinGen allele CA502499.
Genomic context (GRCh38, chr1:931,058, plus strand): 5'-GCCTCCAGAGCAACATGGACCTTCTGCTTCCCTTCCTGCAGAGTCCACACCCACTGGGAC[G>A]TGAACATCTCTTTCCGAGAGGCGTCCTGCAGGTAGGAGCCGTGCTGTGCGTGCATAAGAG-3'
Protein context (NP_001372570.1, residues 261-281): MKRRVHTHWD[Val271Met]NISFREASCS

ClinVar aggregate classification (germline): Likely benign. Review status: criteria provided, multiple submitters, no conflicts (2 of 4 stars). 2 submissions from 2 submitters: Likely benign (2). Last evaluated 2026-01-21.

Conditions:
SAMD11-related disorder. Also called: SAMD11-related condition.

Allele frequency attached by ClinVar (database versions not stated): ESP Exome Variant Server 0.00008; 1000 Genomes Project 30x 0.00016; gnomAD 0.00016; 1000 Genomes Project 0.00020; TOPMed 0.00032; ExAC 0.00043; gnomAD exomes 0.00043.
gnomAD v4.1: 143 of 1,612,954 alleles (0.0089%); highest among the groups gnomAD compares: Admixed American, 0.19%; no homozygotes.

Submissions (2):

Labcorp Genetics (formerly Invitae), Labcorp
Classification: Likely benign. Last evaluated: 2026-01-21. Review status: criteria provided, single submitter. Criteria: Invitae Variant Classification Sherloc (09022015). Collection method: clinical testing. Allele origin: germline.

PreventionGenetics, part of Exact Sciences
Classification: Likely benign for SAMD11-related condition. Last evaluated: 2025-03-19. Review status: criteria provided, single submitter. Criteria: ACMG Guidelines, 2015. Collection method: clinical testing. Allele origin: germline.
Comment: This variant is classified as likely benign based on ACMG/AMP sequence variant interpretation guidelines (Richards et al. 2015 PMID: 25741868, with internal and published modifications).